The following is an entry in ClinVar:

NM_032806.6(POMGNT2):c.673C>T (p.Arg225Trp)

Gene: POMGNT2 (protein O-linked mannose N-acetylglucosaminyltransferase 2 (beta 1,4-); minus strand). Cytogenetic location: 3p22.1.
Variant type: single nucleotide variant.
Coding change: c.673C>T on transcript NM_032806.6 (MANE Select); coding-DNA position 673, C replaced by T.
Protein change: p.Arg225Trp; replaces arginine 225 with tryptophan.
Molecular consequence: missense variant.
Genome position (GRCh38, 1-based): chr3:43,080,759, G>A on the plus strand (C>T on the coding strand, the complement: POMGNT2 is on the minus strand). VCF-style: chr3-43080759-G-A. GRCh37 (hg19) VCF-style: chr3-43122251-G-A.
Other names: short protein forms R225W.
Identifiers: ClinVar variation 1520404 (VCV001520404.8), dbSNP rs1209630896, ClinGen allele CA352302751.

ClinVar aggregate classification (germline): Uncertain significance (1 of 4 stars; one submission).

Conditions:
Muscular dystrophy-dystroglycanopathy (congenital with brain and eye anomalies), type a, 8 (MDDGA8). Also called: WALKER-WARBURG SYNDROME OR MUSCLE-EYE-BRAIN DISEASE, GTDC2-RELATED. Identifiers: Orphanet 899, MedGen C3553813, MONDO:0013904, OMIM 614830.

Allele frequency attached by ClinVar (database versions not stated): gnomAD exomes 0.00001 and 0.00002; TOPMed 0.00001.
gnomAD v4.1: 24 of 1,614,070 alleles (0.0015%); highest among the groups gnomAD compares: South Asian, 0.0077%; no homozygotes.

Submission:

Labcorp Genetics (formerly Invitae), Labcorp
Classification: Uncertain significance for Muscular dystrophy-dystroglycanopathy (congenital with brain and eye anomalies), type a, 8. Last evaluated: 2022-06-01. Review status: criteria provided, single submitter. Criteria: Invitae Variant Classification Sherloc (09022015). Collection method: clinical testing. Allele origin: germline.
Comment: In summary, the available evidence is currently insufficient to determine the role of this variant in disease. Therefore, it has been classified as a Variant of Uncertain Significance. Algorithms developed to predict the effect of missense changes on protein structure and function (SIFT, PolyPhen-2, Align-GVGD) all suggest that this variant is likely to be disruptive. ClinVar contains an entry for this variant (Variation ID: 1520404). This variant has not been reported in the literature in individuals affected with POMGNT2-related conditions. This variant is present in population databases (no rsID available, gnomAD 0.006%). This sequence change replaces arginine, which is basic and polar, with tryptophan, which is neutral and slightly polar, at codon 225 of the POMGNT2 protein (p.Arg225Trp).